The following is an entry in ClinVar:

NM_001042750.2(STAG2):c.3525G>T (p.Gln1175His)

Gene: STAG2 (STAG2 cohesin complex component; plus strand). Cytogenetic location: Xq25.
Variant type: single nucleotide variant.
Coding change: c.3525G>T on transcript NM_001042750.2 (MANE Select); coding-DNA position 3525, G replaced by T.
Protein change: p.Gln1175His; replaces glutamine 1175 with histidine.
Molecular consequence: missense variant. On other transcripts: intron variant (8).
Genome position (GRCh38, 1-based): chrX:124,090,911, G>T. VCF-style: chrX-124090911-G-T. GRCh37 (hg19) VCF-style: chrX-123224761-G-T.
Other names: c.3525G>T, p.Gln1175His (NM_001042749.2, NM_001375366.1, NM_001375367.1 and 5 more transcripts); c.3467+147G>T (NM_001375373.1, NM_001375374.1, NM_001282418.2 and 5 more transcripts); short protein forms Q1175H.
Identifiers: ClinVar variation 2070796 (VCV002070796.4), dbSNP rs1468440083, ClinGen allele CA414281984.

ClinVar aggregate classification (germline): Uncertain significance (1 of 4 stars; one submission).

Submission:

Labcorp Genetics (formerly Invitae), Labcorp
Classification: Uncertain significance. Last evaluated: 2022-01-02. Review status: criteria provided, single submitter. Criteria: Invitae Variant Classification Sherloc (09022015). Collection method: clinical testing. Allele origin: germline.
Comment: In summary, the available evidence is currently insufficient to determine the role of this variant in disease. Therefore, it has been classified as a Variant of Uncertain Significance. Algorithms developed to predict the effect of missense changes on protein structure and function are either unavailable or do not agree on the potential impact of this missense change (SIFT: "Deleterious"; PolyPhen-2: "Possibly Damaging"; Align-GVGD: "Class C0"). This variant has not been reported in the literature in individuals affected with STAG2-related conditions. This variant is not present in population databases (gnomAD no frequency). This sequence change replaces glutamine, which is neutral and polar, with histidine, which is basic and polar, at codon 1175 of the STAG2 protein (p.Gln1175His).